The following is an entry in ClinVar:

NM_199420.4(POLQ):c.7697T>C (p.Val2566Ala)

Gene: POLQ (DNA polymerase theta; minus strand). Cytogenetic location: 3q13.33.
Variant type: single nucleotide variant.
Coding change: c.7697T>C on transcript NM_199420.4 (MANE Select); coding-DNA position 7697, T replaced by C.
Protein change: p.Val2566Ala; replaces valine 2566 with alanine.
Molecular consequence: missense variant.
Genome position (GRCh38, 1-based): chr3:121,432,380, A>G on the plus strand (T>C on the coding strand, the complement: POLQ is on the minus strand). VCF-style: chr3-121432380-A-G. GRCh37 (hg19) VCF-style: chr3-121151227-A-G.
Other names: short protein forms V2566A.
Identifiers: ClinVar variation 2561750 (VCV002561750.2), dbSNP rs2108770674, ClinGen allele CA354092933.
Genomic context (GRCh38, chr3:121,432,380, plus strand): 5'-TTTAGCTCTCCCCAGCTGGCGCCTATTTTCACTTTCACTTTCAATTTCACAGACAGTTTT[A>G]CAGCACTTTCCATTTCATTCTTGACAATCTGAGCTACCTAAGGAAAAAAAAAATGTAGTT-3'
Protein context (NP_955452.3, residues 2556-2576): QIVKNEMESA[Val2566Ala]KLSVKLKVKV

ClinVar aggregate classification (germline): Uncertain significance (1 of 4 stars; one submission).

Allele frequency attached by ClinVar (database versions not stated): gnomAD exomes below 0.00001; gnomAD 0.00001.
gnomAD v4.1: 4 of 1,610,506 alleles (0.00025%); highest among the groups gnomAD compares: Non-Finnish European, 0.00034%; no homozygotes.

Submission:

Ambry Genetics
Classification: Uncertain significance. Last evaluated: 2023-04-23. Review status: criteria provided, single submitter. Criteria: Ambry Variant Classification Scheme 2023. Collection method: clinical testing. Allele origin: germline.
Comment: The p.V2566A variant (also known as c.7697T>C), located in coding exon 30 of the POLQ gene, results from a T to C substitution at nucleotide position 7697. The valine at codon 2566 is replaced by alanine, an amino acid with similar properties. This amino acid position is conserved. In addition, the in silico prediction for this alteration is inconclusive. Since supporting evidence is limited at this time, the clinical significance of this alteration remains unclear.